The following is an entry in ClinVar:

ClinVar aggregate classification (germline): Uncertain significance (1 of 4 stars; one submission).

Conditions:
Cardiovascular phenotype. Identifiers: MedGen CN230736.

Submission:

Ambry Genetics
Classification: Uncertain significance for Cardiovascular phenotype. Last evaluated: 2025-08-12. Review status: criteria provided, single submitter. Criteria: Ambry Variant Classification Scheme 2023. Collection method: clinical testing. Allele origin: germline.
Comment: The p.Q393R variant (also known as c.1178A>G), located in coding exon 12 of the EYA4 gene, results from an A to G substitution at nucleotide position 1178. The glutamine at codon 393 is replaced by arginine, an amino acid with highly similar properties. This amino acid position is conserved. In addition, the in silico prediction for this alteration is inconclusive. Based on the available evidence, the clinical significance of this variant remains unclear.

NM_004100.5(EYA4):c.1178A>G (p.Gln393Arg)

Gene: EYA4 (EYA transcriptional coactivator and phosphatase 4; plus strand). Cytogenetic location: 6q23.2.
Variant type: single nucleotide variant.
Coding change: c.1178A>G on transcript NM_004100.5 (MANE Select); coding-DNA position 1178, A replaced by G.
Protein change: p.Gln393Arg; replaces glutamine 393 with arginine.
Molecular consequence: missense variant.
Genome position (GRCh38, 1-based): chr6:133,483,102, A>G. VCF-style: chr6-133483102-A-G. GRCh37 (hg19) VCF-style: chr6-133804240-A-G.
Other names: c.1034A>G, p.Gln345Arg (NM_001370459.1); c.1109A>G, p.Gln370Arg (NM_172103.4, NM_001370458.1); c.1178A>G, p.Gln393Arg (NM_172105.4); c.1016A>G, p.Gln339Arg (NM_001301012.2); c.1196A>G, p.Gln399Arg (NM_001301013.2); short protein forms Q345R, Q399R, Q339R, Q370R, Q393R.
Identifiers: ClinVar variation 4252201 (VCV004252201.1).